The following is an entry in ClinVar:

ClinVar aggregate classification (germline): Uncertain significance. Review status: criteria provided, multiple submitters, no conflicts (2 of 4 stars). 3 submissions from 3 submitters: Uncertain significance (3). Last evaluated 2024-05-10.

Conditions:
Fraser syndrome 1 (FRASRS1). Also called: CRYPTOPHTHALMOS WITH OTHER MALFORMATIONS. Identifiers: Orphanet 2052, MedGen C4551480, MONDO:0054737, OMIM 219000.

Allele frequency attached by ClinVar (database versions not stated): gnomAD 0.00004; gnomAD exomes 0.00006; ExAC 0.00011.
gnomAD v4.1: 91 of 1,570,388 alleles (0.0058%); highest among the groups gnomAD compares: South Asian, 0.067%; 1 homozygote.

Submissions (3):

Fulgent Genetics
Classification: Uncertain significance for Fraser syndrome 1. Last evaluated: 2024-05-10. Review status: criteria provided, single submitter. Criteria: ACMG Guidelines, 2015. Collection method: clinical testing. Allele origin: germline.

GeneDx
Classification: Uncertain significance. Last evaluated: 2023-02-10. Review status: criteria provided, single submitter. Criteria: GeneDx Variant Classification Process June 2021. Collection method: clinical testing. Allele origin: germline. Affected: yes.
Comment: Identified as heterozygous in a patient with heart defects in published literature who lacked features of Fraser syndrome (Chen et al., 2014); In silico analysis supports that this missense variant does not alter protein structure/function; This variant is associated with the following publications: (PMID: 25049390)

Labcorp Genetics (formerly Invitae), Labcorp
Classification: Uncertain significance. Last evaluated: 2022-07-17. Review status: criteria provided, single submitter. Criteria: Invitae Variant Classification Sherloc (09022015). Collection method: clinical testing. Allele origin: germline.
Comment: This sequence change replaces arginine, which is basic and polar, with histidine, which is basic and polar, at codon 1891 of the FRAS1 protein (p.Arg1891His). This variant is present in population databases (rs780066836, gnomAD 0.06%). This variant has not been reported in the literature in individuals affected with FRAS1-related conditions. Algorithms developed to predict the effect of missense changes on protein structure and function (SIFT, PolyPhen-2, Align-GVGD) all suggest that this variant is likely to be tolerated. In summary, the available evidence is currently insufficient to determine the role of this variant in disease. Therefore, it has been classified as a Variant of Uncertain Significance.

NM_025074.7(FRAS1):c.5672G>A (p.Arg1891His)

Gene: FRAS1 (Fraser extracellular matrix complex subunit 1; plus strand). Cytogenetic location: 4q21.21.
Variant type: single nucleotide variant.
Coding change: c.5672G>A on transcript NM_025074.7 (MANE Select); coding-DNA position 5672, G replaced by A.
Protein change: p.Arg1891His; replaces arginine 1891 with histidine.
Molecular consequence: missense variant.
Genome position (GRCh38, 1-based): chr4:78,445,528, G>A. VCF-style: chr4-78445528-G-A. GRCh37 (hg19) VCF-style: chr4-79366682-G-A.
Other names: c.5672G>A, p.Arg1891His (NM_001166133.2); c.5672G>A (NM_025074.6); short protein forms R1891H.
Identifiers: ClinVar variation 2175481 (VCV002175481.3), dbSNP rs780066836, ClinGen allele CA2977589.